The following is an entry in ClinVar:

ClinVar aggregate classification (germline): Uncertain significance. Review status: criteria provided, multiple submitters, no conflicts (2 of 4 stars). 2 submissions from 2 submitters: Uncertain significance (2). Last evaluated 2024-05-01.

Conditions:
Inborn genetic diseases. Identifiers: MedGen C0950123, MeSH D030342.

Allele frequency attached by ClinVar (database versions not stated): gnomAD exomes below 0.00001.
gnomAD v4.1: 2 of 1,613,314 alleles (0.00012%); highest among the groups gnomAD compares: South Asian, 0.0011%; no homozygotes.

Submissions (2):

Ambry Genetics
Classification: Uncertain significance for Inborn genetic diseases. Last evaluated: 2024-05-01. Review status: criteria provided, single submitter. Criteria: Ambry Variant Classification Scheme 2023. Collection method: clinical testing. Allele origin: germline.

GeneDx
Classification: Uncertain significance. Last evaluated: 2019-05-02. Review status: criteria provided, single submitter. Criteria: GeneDx Variant Classification Process June 2021. Collection method: clinical testing. Allele origin: germline. Affected: yes.
Comment: Not observed at a significant frequency in large population cohorts (Lek et al., 2016); In silico analysis, which includes protein predictors and evolutionary conservation, supports a deleterious effect; Has not been previously published as pathogenic or benign to our knowledge

NM_001844.5(COL2A1):c.1031G>A (p.Arg344Gln)

Gene: COL2A1 (collagen type II alpha 1 chain; minus strand). Cytogenetic location: 12q13.11.
Variant type: single nucleotide variant.
Coding change: c.1031G>A on transcript NM_001844.5 (MANE Select); coding-DNA position 1031, G replaced by A.
Protein change: p.Arg344Gln; replaces arginine 344 with glutamine.
Molecular consequence: missense variant.
Genome position (GRCh38, 1-based): chr12:47,989,798, C>T on the plus strand (G>A on the coding strand, the complement: COL2A1 is on the minus strand). VCF-style: chr12-47989798-C-T. GRCh37 (hg19) VCF-style: chr12-48383581-C-T.
Other names: c.824G>A, p.Arg275Gln (NM_033150.3); short protein forms R275Q, R344Q.
Identifiers: ClinVar variation 1305681 (VCV001305681.3), dbSNP rs1315554899, ClinGen allele CA384555483.